The following is an entry in ClinVar:

NM_031917.3(ANGPTL6):c.404C>G (p.Ala135Gly)

Genes: ANGPTL6 (angiopoietin like 6; minus strand), LOC130063466 (ATAC-STARR-seq lymphoblastoid silent region 10053; plus strand). Cytogenetic location: 19p13.2.
Variant type: single nucleotide variant.
Coding change: c.404C>G on transcript NM_031917.3 (MANE Select); coding-DNA position 404, C replaced by G.
Protein change: p.Ala135Gly; replaces alanine 135 with glycine.
Molecular consequence: missense variant.
Genome position (GRCh38, 1-based): chr19:10,096,160, G>C on the plus strand (C>G on the coding strand, the complement: ANGPTL6 is on the minus strand). VCF-style: chr19-10096160-G-C. GRCh37 (hg19) VCF-style: chr19-10206836-G-C.
Other names: c.404C>G, p.Ala135Gly (NM_001321411.2, NM_001387347.1, NM_001387348.1); short protein forms A135G.
Identifiers: ClinVar variation 2096315 (VCV002096315.4), dbSNP rs754807990, ClinGen allele CA9185459.

ClinVar aggregate classification (germline): Uncertain significance (1 of 4 stars; one submission).

gnomAD v4.1: 66 of 1,315,266 alleles (0.005%); highest among the groups gnomAD compares: Middle Eastern, 0.027%; no homozygotes.

Submission:

Labcorp Genetics (formerly Invitae), Labcorp
Classification: Uncertain significance. Last evaluated: 2022-02-11. Review status: criteria provided, single submitter. Criteria: Invitae Variant Classification Sherloc (09022015). Collection method: clinical testing. Allele origin: germline.
Comment: In summary, the available evidence is currently insufficient to determine the role of this variant in disease. Therefore, it has been classified as a Variant of Uncertain Significance. Algorithms developed to predict the effect of missense changes on protein structure and function are either unavailable or do not agree on the potential impact of this missense change (SIFT: "Not Available"; PolyPhen-2: "Benign"; Align-GVGD: "Not Available"). This variant has not been reported in the literature in individuals affected with ANGPTL6-related conditions. This variant is present in population databases (rs754807990, gnomAD 0.02%). This sequence change replaces alanine, which is neutral and non-polar, with glycine, which is neutral and non-polar, at codon 135 of the ANGPTL6 protein (p.Ala135Gly).